The following is an entry in ClinVar:

ClinVar aggregate classification (germline): Benign. Review status: criteria provided, single submitter (1 of 4 stars). 2 submissions from 2 submitters: Benign (1). 1 of the submissions does not count toward it. Last evaluated 2025-10-19.

Conditions:
FAT1-related disorder. Also called: FAT1-related condition.

Allele frequency attached by ClinVar (database versions not stated): ExAC 0.00022; gnomAD exomes 0.00023; ESP Exome Variant Server 0.00074; TOPMed 0.00075; gnomAD 0.00077; 1000 Genomes Project 0.00140; 1000 Genomes Project 30x 0.00172.
gnomAD v4.1: 202 of 1,613,958 alleles (0.013%); highest among the groups gnomAD compares: African/African-American, 0.22%; no homozygotes.

Submissions (2):

Labcorp Genetics (formerly Invitae), Labcorp
Classification: Benign. Last evaluated: 2025-10-19. Review status: criteria provided, single submitter. Criteria: Invitae Variant Classification Sherloc (09022015). Collection method: clinical testing. Allele origin: germline.

PreventionGenetics, part of Exact Sciences
Classification: Likely benign for FAT1-related condition. Last evaluated: 2022-02-28. Review status: no assertion criteria provided. Collection method: clinical testing. Allele origin: germline. Not counted in ClinVar's aggregate classification.
Comment: This variant is classified as likely benign based on ACMG/AMP sequence variant interpretation guidelines (Richards et al. 2015 PMID: 25741868, with internal and published modifications).

NM_005245.4(FAT1):c.11217G>A (p.Ala3739=)

Genes: FAT1 (FAT atypical cadherin 1; minus strand), LOC126807254 (BRD4-independent group 4 enhancer GRCh37_chr4:187524269-187525468; plus strand). Cytogenetic location: 4q35.2.
Variant type: single nucleotide variant.
Coding change: c.11217G>A on transcript NM_005245.4 (MANE Select); coding-DNA position 11217, G replaced by A.
Protein change: p.Ala3739=; no amino-acid change (alanine 3739 retained).
Molecular consequence: synonymous variant.
Genome position (GRCh38, 1-based): chr4:186,603,309, C>T on the plus strand (G>A on the coding strand, the complement: FAT1 is on the minus strand). VCF-style: chr4-186603309-C-T. GRCh37 (hg19) VCF-style: chr4-187524463-C-T.
Identifiers: ClinVar variation 789731 (VCV000789731.6), dbSNP rs374604751, ClinGen allele CA3165165.